The following is an entry in ClinVar:

NM_015175.3(NBEAL2):c.5459+10G>C

Gene: NBEAL2 (neurobeachin like 2; plus strand). Cytogenetic location: 3p21.31.
Variant type: single nucleotide variant.
Coding change: c.5459+10G>C on transcript NM_015175.3 (MANE Select); 10 bases into the intron after coding-DNA position 5459, G replaced by C.
Molecular consequence: intron variant.
Genome position (GRCh38, 1-based): chr3:47,002,812, G>C. VCF-style: chr3-47002812-G-C. GRCh37 (hg19) VCF-style: chr3-47044302-G-C.
Other names: c.5357+10G>C (NM_001365116.2); c.5459+10G>C (NM_015175.2).
Identifiers: ClinVar variation 4751008 (VCV004751008.3).

ClinVar aggregate classification (germline): Likely benign. Review status: criteria provided, multiple submitters, no conflicts (2 of 4 stars). 3 submissions from 3 submitters: Likely benign (3). Last evaluated 2025-12-24.

Conditions:
NBEAL2-related disorder. Also called: NBEAL2-related condition.

gnomAD v4.1: 112 of 1,553,362 alleles (0.0072%); highest among the groups gnomAD compares: African/African-American, 0.13%; no homozygotes.

Submissions (3):

Labcorp Genetics (formerly Invitae), Labcorp
Classification: Likely benign. Last evaluated: 2025-12-24. Review status: criteria provided, single submitter. Criteria: Invitae Variant Classification Sherloc (09022015). Collection method: clinical testing. Allele origin: germline.

PreventionGenetics, part of Exact Sciences
Classification: Likely benign for NBEAL2-related condition. Last evaluated: 2025-07-10. Review status: criteria provided, single submitter. Criteria: ACMG Guidelines, 2015. Collection method: clinical testing. Allele origin: germline.
Comment: This variant is classified as likely benign based on ACMG/AMP sequence variant interpretation guidelines (Richards et al. 2015 PMID: 25741868, with internal and published modifications).

Blueprint Genetics
Classification: Likely benign. Last evaluated: 2022-07-18. Review status: criteria provided, single submitter. Criteria: ACMG Guidelines, 2015. Collection method: clinical testing. Allele origin: germline.